The following is an entry in ClinVar:

ClinVar aggregate classification (germline): Uncertain significance (1 of 4 stars; one submission).

Allele frequency attached by ClinVar (database versions not stated): TOPMed 0.00001; gnomAD exomes 0.00002.
gnomAD v4.1: 35 of 1,613,832 alleles (0.0022%); highest among the groups gnomAD compares: Non-Finnish European, 0.0026%; no homozygotes.

Submission:

Labcorp Genetics (formerly Invitae), Labcorp
Classification: Uncertain significance. Last evaluated: 2025-07-06. Review status: criteria provided, single submitter. Criteria: Invitae Variant Classification Sherloc (09022015). Collection method: clinical testing. Allele origin: germline.
Comment: This sequence change replaces alanine, which is neutral and non-polar, with valine, which is neutral and non-polar, at codon 2698 of the HMCN1 protein (p.Ala2698Val). This variant is not present in population databases (gnomAD no frequency). This variant has not been reported in the literature in individuals affected with HMCN1-related conditions. ClinVar contains an entry for this variant (Variation ID: 2158117). An algorithm developed to predict the effect of missense changes on protein structure and function (PolyPhen-2) suggests that this variant is likely to be tolerated. In summary, the available evidence is currently insufficient to determine the role of this variant in disease. Therefore, it has been classified as a Variant of Uncertain Significance.

NM_031935.3(HMCN1):c.8093C>T (p.Ala2698Val)

Gene: HMCN1 (hemicentin 1; plus strand). Cytogenetic location: 1q31.1.
Variant type: single nucleotide variant.
Coding change: c.8093C>T on transcript NM_031935.3 (MANE Select); coding-DNA position 8093, C replaced by T.
Protein change: p.Ala2698Val; replaces alanine 2698 with valine.
Molecular consequence: missense variant.
Genome position (GRCh38, 1-based): chr1:186,070,711, C>T. VCF-style: chr1-186070711-C-T. GRCh37 (hg19) VCF-style: chr1-186039843-C-T.
Other names: short protein forms A2698V.
Identifiers: ClinVar variation 2158117 (VCV002158117.4), dbSNP rs1208182724, ClinGen allele CA343909960.